The following is an entry in ClinVar:

NM_000419.5(ITGA2B):c.1229C>T (p.Pro410Leu)

Gene: ITGA2B (integrin subunit alpha 2b; minus strand). Cytogenetic location: 17q21.31.
Variant type: single nucleotide variant.
Coding change: c.1229C>T on transcript NM_000419.5 (MANE Select); coding-DNA position 1229, C replaced by T.
Protein change: p.Pro410Leu; replaces proline 410 with leucine.
Molecular consequence: missense variant.
Genome position (GRCh38, 1-based): chr17:44,381,043, G>A on the plus strand (C>T on the coding strand, the complement: ITGA2B is on the minus strand). VCF-style: chr17-44381043-G-A. GRCh37 (hg19) VCF-style: chr17-42458411-G-A.
Other names: short protein forms P410L.
Identifiers: ClinVar variation 3765090 (VCV003765090.1).

ClinVar aggregate classification (germline): Pathogenic (1 of 4 stars; one submission).

Submission:

Center for Genomic Medicine, Rigshospitalet, Copenhagen University Hospital
Classification: Pathogenic. Last evaluated: 2025-03-04. Review status: criteria provided, single submitter. Criteria: ACMG Guidelines, 2015. Collection method: clinical testing. Allele origin: germline.
Comment: Classification criteria: PM4_Moderate, PM2_Supporting, PP3_Moderate, PP4_Strong

Literature cited by the submitters: PubMed 22513797.